The following is an entry in ClinVar:

ClinVar aggregate classification (germline): Uncertain significance. Review status: criteria provided, multiple submitters, no conflicts (2 of 4 stars). 5 submissions from 5 submitters: Uncertain significance (5). Last evaluated 2025-12-10.

Conditions:
Juvenile polyposis syndrome (JPS). Identifiers: Orphanet 2929, MedGen C0345893, MONDO:0017380, OMIM 174900.
Hereditary cancer-predisposing syndrome. Also called: Tumor predisposition; Neoplastic Syndromes, Hereditary; Hereditary Cancer Syndrome; Hereditary neoplastic syndrome. Identifiers: Orphanet 140162, MedGen C0027672, MeSH D009386, MONDO:0015356.
Polyposis syndrome, hereditary mixed, 2. Identifiers: Orphanet 157794, MedGen C1864730, MONDO:0012405, OMIM 610069.

Allele frequency attached by ClinVar (database versions not stated): gnomAD exomes below 0.00001 and 0.00001; gnomAD 0.00001; TOPMed 0.00001.

Submissions (5):

Color Diagnostics, LLC DBA Color Health
Classification: Uncertain significance for Hereditary cancer-predisposing syndrome. Last evaluated: 2025-12-10. Review status: criteria provided, single submitter. Criteria: ACMG Guidelines, 2015. Collection method: clinical testing. Allele origin: germline.
Comment: This missense variant replaces arginine with glutamine at codon 126 of the BMPR1A protein. Computational prediction suggests that this variant may not impact protein structure and function. To our knowledge, functional studies have not been reported for this variant. This variant has not been reported in individuals affected with BMPR1A-related disorders in the literature. This variant has been identified in 6/1613902 chromosomes in the general population by the Genome Aggregation Database (gnomAD). The available evidence is insufficient to determine the role of this variant in disease conclusively. Therefore, this variant is classified as a Variant of Uncertain Significance.

Labcorp Genetics (formerly Invitae), Labcorp
Classification: Uncertain significance for Juvenile polyposis syndrome. Last evaluated: 2025-10-26. Review status: criteria provided, single submitter. Criteria: Invitae Variant Classification Sherloc (09022015). Collection method: clinical testing. Allele origin: germline.
Comment: This sequence change replaces arginine, which is basic and polar, with glutamine, which is neutral and polar, at codon 126 of the BMPR1A protein (p.Arg126Gln). This variant is present in population databases (no rsID available, gnomAD 0.007%). This variant has not been reported in the literature in individuals affected with BMPR1A-related conditions. ClinVar contains an entry for this variant (Variation ID: 490994). Invitae Evidence Modeling of protein sequence and biophysical properties (such as structural, functional, and spatial information, amino acid conservation, physicochemical variation, residue mobility, and thermodynamic stability) indicates that this missense variant is not expected to disrupt BMPR1A protein function with a negative predictive value of 80%. In summary, the available evidence is currently insufficient to determine the role of this variant in disease. Therefore, it has been classified as a Variant of Uncertain Significance.

Baylor Genetics
Classification: Uncertain significance for Polyposis syndrome, hereditary mixed, 2. Last evaluated: 2024-03-07. Review status: criteria provided, single submitter. Criteria: ACMG Guidelines, 2015. Collection method: clinical testing. Allele origin: unknown.

Ambry Genetics
Classification: Uncertain significance for Hereditary cancer-predisposing syndrome. Last evaluated: 2024-03-01. Review status: criteria provided, single submitter. Criteria: Ambry Variant Classification Scheme 2023. Collection method: clinical testing. Allele origin: germline.
Comment: The p.R126Q variant (also known as c.377G>A), located in coding exon 4 of the BMPR1A gene, results from a G to A substitution at nucleotide position 377. The arginine at codon 126 is replaced by glutamine, an amino acid with highly similar properties. This amino acid position is well conserved in available vertebrate species. In addition, the in silico prediction for this alteration is inconclusive. Since supporting evidence is limited at this time, the clinical significance of this alteration remains unclear.

All of Us Research Program, National Institutes of Health
Classification: Uncertain significance for Juvenile polyposis syndrome. Last evaluated: 2023-12-13. Review status: criteria provided, single submitter. Criteria: ACMG Guidelines, 2015. Collection method: clinical testing. Allele origin: germline. Inheritance: Autosomal dominant inheritance. Observed: 1 variant allele, 1 heterozygote.
Comment: This missense variant replaces arginine with glutamine at codon 126 of the BMPR1A protein. Computational prediction suggests that this variant may not impact protein structure and function (internally defined REVEL score threshold <= 0.5, PMID: 27666373). To our knowledge, functional studies have not been reported for this variant. This variant has not been reported in individuals affected with BMPR1A-related disorders in the literature. This variant has been identified in 2/251460 chromosomes in the general population by the Genome Aggregation Database (gnomAD). The available evidence is insufficient to determine the role of this variant in disease conclusively. Therefore, this variant is classified as a Variant of Uncertain Significance.

This study involves interpretation of variants in research participants for the purpose of population health screening. Participant phenotype was not available at the time of variant classification. Additional details can be found in publication PMID: 35346344, PMCID: PMC8962531

NM_004329.3(BMPR1A):c.377G>A (p.Arg126Gln)

Gene: BMPR1A (bone morphogenetic protein receptor type 1A; plus strand). Cytogenetic location: 10q23.2.
Variant type: single nucleotide variant.
Coding change: c.377G>A on transcript NM_004329.3 (MANE Select); coding-DNA position 377, G replaced by A.
Protein change: p.Arg126Gln; replaces arginine 126 with glutamine.
Molecular consequence: missense variant.
Genome position (GRCh38, 1-based): chr10:86,899,837, G>A. VCF-style: chr10-86899837-G-A. GRCh37 (hg19) VCF-style: chr10-88659594-G-A.
Other names: short protein forms R126Q.
Identifiers: ClinVar variation 490994 (VCV000490994.19), dbSNP rs864622549, ClinGen allele CA377449480.